The following is an entry in ClinVar:

NM_006493.4(CLN5):c.812A>G (p.Asn271Ser)

Gene: CLN5 (CLN5 lysosomal BMP synthase; plus strand). Cytogenetic location: 13q22.3.
Variant type: single nucleotide variant.
Coding change: c.812A>G on transcript NM_006493.4 (MANE Select); coding-DNA position 812, A replaced by G.
Protein change: p.Asn271Ser; replaces asparagine 271 with serine.
Molecular consequence: missense variant. On other transcripts: 3 prime UTR variant (1).
Genome position (GRCh38, 1-based): chr13:77,000,704, A>G. VCF-style: chr13-77000704-A-G. GRCh37 (hg19) VCF-style: chr13-77574839-A-G.
Other names: p.Asn271Ser; c.959A>G (LRG_692t1); c.*261A>G (NM_001366624.2); short protein forms N271S.
Identifiers: ClinVar variation 240660 (VCV000240660.19), dbSNP rs199609750, ClinGen allele CA7007264.

ClinVar aggregate classification (germline): Uncertain significance. Review status: criteria provided, multiple submitters, no conflicts (2 of 4 stars). 10 submissions from 10 submitters: Uncertain significance (9). 1 of the submissions does not count toward it. Last evaluated 2025-12-11.

Conditions:
Inborn genetic diseases. Identifiers: MedGen C0950123, MeSH D030342.
Neuronal ceroid lipofuscinosis. Also called: Neuronal Ceroid Lipofuscinoses. Identifiers: Orphanet 216, Orphanet 79263, MedGen C0027877, MONDO:0016295. Disease mechanism: loss of function.
Neuronal ceroid lipofuscinosis 5 (CLN5). Also called: CEROID LIPOFUSCINOSIS, NEURONAL, 5, VARIABLE AGE AT ONSET; Neuronal ceroid lipofuscinosis Finnish variant; NEURONAL CEROID LIPOFUSCINOSIS, LATE INFANTILE, FINNISH VARIANT; CLN5-Related Neuronal Ceroid-Lipofuscinosis. Identifiers: Orphanet 168491, Orphanet 228360, MedGen C1850442, MONDO:0009745, OMIM 256731.

Allele frequency attached by ClinVar (database versions not stated): gnomAD exomes 0.00003 and 0.00009; ExAC 0.00007; gnomAD 0.00009; TOPMed 0.00012; 1000 Genomes Project 0.00020; 1000 Genomes Project 30x 0.00031.
gnomAD v4.1: 57 of 1,613,982 alleles (0.0035%); highest among the groups gnomAD compares: Admixed American, 0.053%; no homozygotes.

Submissions (10):

Mayo Clinic Laboratories, Mayo Clinic
Classification: Uncertain significance. Last evaluated: 2025-12-11. Review status: criteria provided, single submitter. Criteria: ACMG Guidelines, 2015. Collection method: clinical testing. Allele origin: germline. Observed: 1 variant allele.
Comment: PM2_supporting

Ambry Genetics
Classification: Uncertain significance for Inborn genetic diseases. Last evaluated: 2025-04-28. Review status: criteria provided, single submitter. Criteria: Ambry Variant Classification Scheme 2023. Collection method: clinical testing. Allele origin: germline.

GeneDx
Classification: Uncertain significance. Last evaluated: 2025-03-11. Review status: criteria provided, single submitter. Criteria: GeneDx Variant Classification Process June 2021. Collection method: clinical testing. Allele origin: germline. Affected: yes.
Comment: Published functional studies demonstrate a damaging effect to glycosylation (PMID: 30037983); In silico analysis supports that this missense variant has a deleterious effect on protein structure/function; This variant is associated with the following publications: (PMID: 30037983, 32430003, 34198733, 32983231)

Blueprint Genetics
Classification: Uncertain significance. Last evaluated: 2024-10-16. Review status: criteria provided, single submitter. Criteria: ACMG Guidelines, 2015. Collection method: clinical testing. Allele origin: germline.

Women's Health and Genetics/Laboratory Corporation of America, LabCorp
Classification: Uncertain significance. Last evaluated: 2024-09-10. Review status: criteria provided, single submitter. Criteria: LabCorp Variant Classification Summary - May 2015. Collection method: clinical testing. Allele origin: germline.
Comment: Variant summary: CLN5 c.812A>G (p.Asn271Ser) results in a conservative amino acid change in the encoded protein sequence. Three of four in-silico tools predict a damaging effect of the variant on protein function. The variant allele was found at a frequency of 9.2e-05 in 251272 control chromosomes. This frequency is not significantly higher than estimated for a pathogenic variant in CLN5 causing Neuronal Ceroid-Lipofuscinosis (Batten Disease) (9.2e-05 vs 0.00094), allowing no conclusion about variant significance. c.812A>G has been reported in the literature in a family with Alzheimer's Disease where the variant was reported to segregate with disease (Qureshi_2018). These reports do not provide unequivocal conclusions about association of the variant with Neuronal Ceroid-Lipofuscinosis (Batten Disease). At least one publication reports experimental evidence evaluating an impact on protein function, demonstrating that the variant was glycosylation deficient, which causes the expressed protein to be partially trapped in the ER with reduced normal delivery to the endolysosomal system (Qureshi_2018). The following publication have been ascertained in the context of this evaluation (PMID: 30037983). ClinVar contains an entry for this variant (Variation ID: 240660). Based on the evidence outlined above, the variant was classified as uncertain significance.

Labcorp Genetics (formerly Invitae), Labcorp
Classification: Uncertain significance for Neuronal ceroid lipofuscinosis. Last evaluated: 2022-10-18. Review status: criteria provided, single submitter. Criteria: Invitae Variant Classification Sherloc (09022015). Collection method: clinical testing. Allele origin: germline.
Comment: This sequence change replaces asparagine, which is neutral and polar, with serine, which is neutral and polar, at codon 320 of the CLN5 protein (p.Asn320Ser). This variant is present in population databases (rs199609750, gnomAD 0.04%). This variant has not been reported in the literature in individuals affected with CLN5-related conditions. ClinVar contains an entry for this variant (Variation ID: 240660). Advanced modeling of protein sequence and biophysical properties (such as structural, functional, and spatial information, amino acid conservation, physicochemical variation, residue mobility, and thermodynamic stability) performed at Invitae indicates that this missense variant is not expected to disrupt CLN5 protein function. Experimental studies have shown that this missense change affects CLN5 function (PMID: 30037983). In summary, the available evidence is currently insufficient to determine the role of this variant in disease. Therefore, it has been classified as a Variant of Uncertain Significance.

Genome-Nilou Lab
Classification: Uncertain significance for Neuronal ceroid lipofuscinosis 5. Last evaluated: 2021-09-05. Review status: criteria provided, single submitter. Criteria: ACMG Guidelines, 2015. Collection method: clinical testing. Allele origin: germline. Affected: no.

Illumina Laboratory Services, Illumina
Classification: Uncertain significance for Neuronal ceroid lipofuscinosis 5. Last evaluated: 2018-03-30. Review status: criteria provided, single submitter. Criteria: ICSL Variant Classification Criteria 13 December 2019. Collection method: clinical testing. Allele origin: germline.

Breakthrough Genomics
Classification: Uncertain significance. Review status: criteria provided, single submitter. Criteria: ACMG Guidelines, 2015. Collection method: not provided. Allele origin: germline. Inheritance: Autosomal recessive inheritance. Affected: yes.

Natera, Inc.
Classification: Uncertain significance for Neuronal ceroid lipofuscinosis 5. Last evaluated: 2020-09-16. Review status: no assertion criteria provided. Collection method: clinical testing. Allele origin: germline. Not counted in ClinVar's aggregate classification.

Literature cited by the submitters: PubMed 33792748 (cited by Mayo Clinic Laboratories, Mayo Clinic); PubMed 30037983 (cited by Women's Health and Genetics/Laboratory Corporation of America, LabCorp and Labcorp Genetics (formerly Invitae), Labcorp).